The following is an entry in ClinVar:

NM_003098.3(SNTA1):c.1361A>G (p.Gln454Arg)

Gene: SNTA1 (syntrophin alpha 1; minus strand). Cytogenetic location: 20q11.21.
Variant type: single nucleotide variant.
Coding change: c.1361A>G on transcript NM_003098.3 (MANE Select); coding-DNA position 1361, A replaced by G.
Protein change: p.Gln454Arg; replaces glutamine 454 with arginine.
Molecular consequence: missense variant.
Genome position (GRCh38, 1-based): chr20:33,408,765, T>C on the plus strand (A>G on the coding strand, the complement: SNTA1 is on the minus strand). VCF-style: chr20-33408765-T-C. GRCh37 (hg19) VCF-style: chr20-31996571-T-C.
Other names: c.1361A>G, p.Gln454Arg (NM_001424413.1); c.1393A>G, p.Arg465Gly (NM_001424414.1); short protein forms R465G, Q454R.
Identifiers: ClinVar variation 2625060 (VCV002625060.6), dbSNP rs895391388, ClinGen allele CA313251195.
Genomic context (GRCh38, chr20:33,408,765, plus strand): 5'-TCGCCTTCAGCACCTCCAAAATCCAGGAAAAGGAGACTGGCACCGTCATCTGAAGACATC[T>C]GCAGCTTCTCGAAGGGCTGTCGCAGGAGCACAGCTCGGGCTGCACCTGGCTCAGCCGCCC-3'
Protein context (NP_003089.1, residues 444-464): VLLRQPFEKL[Gln454Arg]MSSDDGASLL

ClinVar aggregate classification (germline): Uncertain significance. Review status: criteria provided, multiple submitters, no conflicts (2 of 4 stars). 2 submissions from 2 submitters: Uncertain significance (2). Last evaluated 2025-11-25.

Conditions:
Cardiovascular phenotype. Identifiers: MedGen CN230736.
Long QT syndrome (LQTS). Identifiers: MedGen C0023976, MeSH D008133, MONDO:0002442. Disease mechanism: loss of function. Inheritance: Various modes of inheritance.

Allele frequency attached by ClinVar (database versions not stated): gnomAD 0.00001; gnomAD exomes below 0.00001; TOPMed 0.00001.
gnomAD v4.1: 7 of 1,614,052 alleles (0.00043%); highest among the groups gnomAD compares: Admixed American, 0.0033%; no homozygotes.

Submissions (2):

Ambry Genetics
Classification: Uncertain significance for Cardiovascular phenotype. Last evaluated: 2025-11-25. Review status: criteria provided, single submitter. Criteria: Ambry Variant Classification Scheme 2023. Collection method: clinical testing. Allele origin: germline.
Comment: The p.Q454R variant (also known as c.1361A>G), located in coding exon 7 of the SNTA1 gene, results from an A to G substitution at nucleotide position 1361. The glutamine at codon 454 is replaced by arginine, an amino acid with highly similar properties. This amino acid position is not well conserved in available vertebrate species. In addition, this alteration is predicted to be tolerated by in silico analysis. The evidence for this gene-disease relationship is limited; therefore, the clinical significance of this alteration is unclear.

Labcorp Genetics (formerly Invitae), Labcorp
Classification: Uncertain significance for Long QT syndrome. Last evaluated: 2025-06-12. Review status: criteria provided, single submitter. Criteria: Invitae Variant Classification Sherloc (09022015). Collection method: clinical testing. Allele origin: germline.
Comment: This sequence change replaces glutamine, which is neutral and polar, with arginine, which is basic and polar, at codon 454 of the SNTA1 protein (p.Gln454Arg). This variant is present in population databases (no rsID available, gnomAD 0.003%). This variant has not been reported in the literature in individuals affected with SNTA1-related conditions. ClinVar contains an entry for this variant (Variation ID: 2625060). Invitae Evidence Modeling of protein sequence and biophysical properties (such as structural, functional, and spatial information, amino acid conservation, physicochemical variation, residue mobility, and thermodynamic stability) indicates that this missense variant is not expected to disrupt SNTA1 protein function with a negative predictive value of 80%. In summary, the available evidence is currently insufficient to determine the role of this variant in disease. Therefore, it has been classified as a Variant of Uncertain Significance.